The following is an entry in ClinVar:

NM_020533.3(MCOLN1):c.41G>A (p.Arg14Gln)

Gene: MCOLN1 (mucolipin TRP cation channel 1; plus strand). Cytogenetic location: 19p13.2.
Variant type: single nucleotide variant.
Coding change: c.41G>A on transcript NM_020533.3 (MANE Select); coding-DNA position 41, G replaced by A.
Protein change: p.Arg14Gln; replaces arginine 14 with glutamine.
Molecular consequence: missense variant.
Genome position (GRCh38, 1-based): chr19:7,524,970, G>A. VCF-style: chr19-7524970-G-A. GRCh37 (hg19) VCF-style: chr19-7589856-G-A.
Other names: short protein forms R14Q.
Identifiers: ClinVar variation 1209622 (VCV001209622.6), dbSNP rs200048852, ClinGen allele CA9138586.

ClinVar aggregate classification (germline): Uncertain significance. Review status: criteria provided, multiple submitters, no conflicts (2 of 4 stars). 2 submissions from 2 submitters: Uncertain significance (2). Last evaluated 2024-04-15.

Conditions:
Mucolipidosis type IV (ML4). Also called: ML IV. Identifiers: Orphanet 578, MedGen C0238286, MONDO:0009653, OMIM 252650.

Allele frequency attached by ClinVar (database versions not stated): gnomAD 0.00003; TOPMed 0.00005; gnomAD exomes 0.00011 and 0.00015; ExAC 0.00012; ESP Exome Variant Server 0.00015.

Submissions (2):

Labcorp Genetics (formerly Invitae), Labcorp
Classification: Uncertain significance for Mucolipidosis type IV. Last evaluated: 2024-04-15. Review status: criteria provided, single submitter. Criteria: Invitae Variant Classification Sherloc (09022015). Collection method: clinical testing. Allele origin: germline.
Comment: This sequence change replaces arginine, which is basic and polar, with glutamine, which is neutral and polar, at codon 14 of the MCOLN1 protein (p.Arg14Gln). This variant is present in population databases (rs200048852, gnomAD 0.02%). This variant has not been reported in the literature in individuals affected with MCOLN1-related conditions. ClinVar contains an entry for this variant (Variation ID: 1209622). Advanced modeling of protein sequence and biophysical properties (such as structural, functional, and spatial information, amino acid conservation, physicochemical variation, residue mobility, and thermodynamic stability) has been performed at Invitae for this missense variant, however the output from this modeling did not meet the statistical confidence thresholds required to predict the impact of this variant on MCOLN1 protein function. In summary, the available evidence is currently insufficient to determine the role of this variant in disease. Therefore, it has been classified as a Variant of Uncertain Significance.

Genome-Nilou Lab
Classification: Uncertain significance for Mucolipidosis type IV. Last evaluated: 2021-07-14. Review status: criteria provided, single submitter. Criteria: ACMG Guidelines, 2015. Collection method: clinical testing. Allele origin: germline. Affected: no.